The following is an entry in ClinVar:

NM_198576.4(AGRN):c.4106-145G>A

Gene: AGRN (agrin; plus strand). Cytogenetic location: 1p36.33.
Variant type: single nucleotide variant.
Coding change: c.4106-145G>A on transcript NM_198576.4 (MANE Select); 145 bases into the intron before coding-DNA position 4106, G replaced by A.
Molecular consequence: intron variant.
Genome position (GRCh38, 1-based): chr1:1,048,722, G>A. VCF-style: chr1-1048722-G-A. GRCh37 (hg19) VCF-style: chr1-984102-G-A.
Other names: c.4106-145G>A (NM_001305275.2); c.3791-145G>A (NM_001364727.2).
Identifiers: ClinVar variation 678949 (VCV000678949.2), dbSNP rs149267690, ClinGen allele CA16700294.

ClinVar aggregate classification (germline): Benign. Review status: criteria provided, multiple submitters, no conflicts (2 of 4 stars). 2 submissions from 2 submitters: Benign (2). Last evaluated 2018-06-19.

Allele frequency attached by ClinVar (database versions not stated): gnomAD 0.05523 and 0.05929; 1000 Genomes Project 0.05591; 1000 Genomes Project 30x 0.06027; TOPMed 0.06578.
gnomAD v4.1: 12,907 of 974,564 alleles (1.3%); highest among the groups gnomAD compares: African/African-American, 19%; 1,089 homozygotes.

Submissions (2):

GeneDx
Classification: Benign. Last evaluated: 2018-06-19. Review status: criteria provided, single submitter. Criteria: GeneDx Variant Classification (06012015). Collection method: clinical testing. Allele origin: germline. Affected: yes.
Comment: This variant is considered likely benign or benign based on one or more of the following criteria: it is a conservative change, it occurs at a poorly conserved position in the protein, it is predicted to be benign by multiple in silico algorithms, and/or has population frequency not consistent with disease.

Breakthrough Genomics
Classification: Benign. Review status: criteria provided, single submitter. Criteria: ACMG Guidelines, 2015. Collection method: not provided. Allele origin: germline. Inheritance: Autosomal recessive inheritance. Affected: yes.